The following is an entry in ClinVar:

ClinVar aggregate classification (germline): Likely benign. Review status: criteria provided, multiple submitters, no conflicts (2 of 4 stars). 3 submissions from 3 submitters: Likely benign (3). Last evaluated 2023-08-15.

Conditions:
Hypertrophic cardiomyopathy. Also called: HYPERTROPHIC MYOCARDIOPATHY. Identifiers: Orphanet 217569, MedGen C0007194, MeSH D002312, MONDO:0005045, HP:0001639.
Cardiomyopathy (CMYO). Also called: Cardiomyopathies. Identifiers: Orphanet 167848, MedGen C0878544, MONDO:0004994, HP:0001638. Inheritance: Various modes of inheritance.

Allele frequency attached by ClinVar (database versions not stated): ExAC 0.00001; 1000 Genomes Project 0.00020; 1000 Genomes Project 30x 0.00016; gnomAD exomes below 0.00001; gnomAD 0.00001.
gnomAD v4.1: 4 of 1,605,444 alleles (0.00025%); highest among the groups gnomAD compares: Admixed American, 0.005%; no homozygotes.

Submissions (3):

All of Us Research Program, National Institutes of Health
Classification: Likely benign for Hypertrophic cardiomyopathy. Last evaluated: 2023-08-15. Review status: criteria provided, single submitter. Criteria: ACMG Guidelines, 2015. Collection method: clinical testing. Allele origin: germline. Inheritance: Autosomal dominant inheritance. Observed: 1 variant allele, 1 heterozygote.
Comment: This study involves interpretation of variants in research participants for the purpose of population health screening. Participant phenotype was not available at the time of variant classification. Additional details can be found in publication PMID: 35346344, PMCID: PMC8962531

Color Diagnostics, LLC DBA Color Health
Classification: Likely benign for Cardiomyopathy. Last evaluated: 2023-06-20. Review status: criteria provided, single submitter. Criteria: ACMG Guidelines, 2015. Collection method: clinical testing. Allele origin: germline.

Labcorp Genetics (formerly Invitae), Labcorp
Classification: Likely benign for Hypertrophic cardiomyopathy. Last evaluated: 2022-02-22. Review status: criteria provided, single submitter. Criteria: Invitae Variant Classification Sherloc (09022015). Collection method: clinical testing. Allele origin: germline.

NM_000256.3(MYBPC3):c.3129C>T (p.Tyr1043=)

Gene: MYBPC3 (myosin binding protein C3; minus strand). Cytogenetic location: 11p11.2.
Variant type: single nucleotide variant.
Coding change: c.3129C>T on transcript NM_000256.3 (MANE Select); coding-DNA position 3129, C replaced by T.
Protein change: p.Tyr1043=; no amino-acid change (tyrosine 1043 retained).
Molecular consequence: synonymous variant.
Genome position (GRCh38, 1-based): chr11:47,333,618, G>A on the plus strand (C>T on the coding strand, the complement: MYBPC3 is on the minus strand). VCF-style: chr11-47333618-G-A. GRCh37 (hg19) VCF-style: chr11-47355169-G-A.
Identifiers: ClinVar variation 705479 (VCV000705479.13), dbSNP rs573821685, ClinGen allele CA079153.